The following is an entry in ClinVar:

NM_001080517.3(SETD5):c.563T>C (p.Ile188Thr)

Gene: SETD5 (SET domain containing 5; plus strand). Cytogenetic location: 3p25.3.
Variant type: single nucleotide variant.
Coding change: c.563T>C on transcript NM_001080517.3 (MANE Select); coding-DNA position 563, T replaced by C.
Protein change: p.Ile188Thr; replaces isoleucine 188 with threonine.
Molecular consequence: missense variant.
Genome position (GRCh38, 1-based): chr3:9,435,902, T>C. VCF-style: chr3-9435902-T-C. GRCh37 (hg19) VCF-style: chr3-9477586-T-C.
Other names: c.230T>C, p.Ile77Thr (NM_001292043.2, NM_001349451.2); short protein forms I188T, I77T.
Identifiers: ClinVar variation 2500555 (VCV002500555.2), dbSNP rs746717574, ClinGen allele CA2238960.

ClinVar aggregate classification (germline): Uncertain significance. Review status: criteria provided, multiple submitters, no conflicts (2 of 4 stars). 2 submissions from 2 submitters: Uncertain significance (2). Last evaluated 2026-08-27.

Conditions:
Inborn genetic diseases. Identifiers: MedGen C0950123, MeSH D030342.

Allele frequency attached by ClinVar (database versions not stated): gnomAD 0.00001; TOPMed 0.00001; gnomAD exomes 0.00002; ExAC 0.00002.
gnomAD v4.1: 29 of 1,578,574 alleles (0.0018%); highest among the groups gnomAD compares: Non-Finnish European, 0.0022%; no homozygotes.

Submissions (2):

Ambry Genetics
Classification: Uncertain significance for Inborn genetic diseases. Last evaluated: 2026-08-27. Review status: criteria provided, single submitter. Criteria: Ambry Variant Classification Scheme 2023. Collection method: clinical testing. Allele origin: germline.
Comment: The c.563T>C (p.I188T) alteration is located in exon 7 (coding exon 5) of the SETD5 gene. This alteration results from a T to C substitution at nucleotide position 563, causing the isoleucine (I) at amino acid position 188 to be replaced by a threonine (T). Based on data from gnomAD, the C allele has an overall frequency of <0.001% (1/192518) total alleles studied. The highest observed frequency was 0.001% (1/83530) of European (non-Finnish) alleles. Based on insufficient or conflicting evidence, the clinical significance of this alteration remains unclear.

GeneDx
Classification: Uncertain significance. Last evaluated: 2022-10-29. Review status: criteria provided, single submitter. Criteria: GeneDx Variant Classification Process June 2021. Collection method: clinical testing. Allele origin: germline. Affected: yes.
Comment: Not observed at significant frequency in large population cohorts (gnomAD); In silico analysis supports that this missense variant has a deleterious effect on protein structure/function; Has not been previously published as pathogenic or benign to our knowledge